The following is an entry in ClinVar:

ClinVar aggregate classification (germline): Pathogenic (1 of 4 stars; one submission).

Submission:

Labcorp Genetics (formerly Invitae), Labcorp
Classification: Pathogenic. Last evaluated: 2025-05-15. Review status: criteria provided, single submitter. Criteria: Invitae Variant Classification Sherloc (09022015). Collection method: clinical testing. Allele origin: germline.
Comment: This sequence change creates a premature translational stop signal (p.Cys158*) in the MBD4 gene. It is expected to result in an absent or disrupted protein product. Loss-of-function variants in MBD4 are known to be pathogenic (PMID: 30049810, 35460607). This variant is not present in population databases (gnomAD no frequency). This variant has not been reported in the literature in individuals affected with MBD4-related conditions. For these reasons, this variant has been classified as Pathogenic.

Literature cited by the submitters: PubMed 30049810; PubMed 35460607.

NM_001276270.2(MBD4):c.474C>A (p.Cys158Ter)

Gene: MBD4 (methyl-CpG binding domain 4, DNA glycosylase; minus strand). Cytogenetic location: 3q21.3.
Variant type: single nucleotide variant.
Coding change: c.474C>A on transcript NM_001276270.2 (MANE Select); coding-DNA position 474, C replaced by A.
Protein change: p.Cys158Ter; replaces cysteine 158 with a stop codon.
Molecular consequence: nonsense. On other transcripts: intron variant (1).
Genome position (GRCh38, 1-based): chr3:129,437,170, G>T on the plus strand (C>A on the coding strand, the complement: MBD4 is on the minus strand). VCF-style: chr3-129437170-G-T. GRCh37 (hg19) VCF-style: chr3-129156013-G-T.
Other names: c.474C>A, p.Cys158Ter (NM_001276271.2, NM_001276272.2, NM_003925.3); c.247+638C>A (NM_001276273.2); short protein forms C158*.
Identifiers: ClinVar variation 4719635 (VCV004719635.1).